The following is an entry in ClinVar:

NM_152222.2(RELT):c.995C>T (p.Ala332Val)

Gene: RELT (RELT TNF receptor; plus strand). Cytogenetic location: 11q13.4.
Variant type: single nucleotide variant.
Coding change: c.995C>T on transcript NM_152222.2 (MANE Select); coding-DNA position 995, C replaced by T.
Protein change: p.Ala332Val; replaces alanine 332 with valine.
Molecular consequence: missense variant.
Genome position (GRCh38, 1-based): chr11:73,394,683, C>T. VCF-style: chr11-73394683-C-T. GRCh37 (hg19) VCF-style: chr11-73105728-C-T.
Other names: NC_000011.9:g.73105728C>T; c.995C>T (NM_152222.1); c.1019C>T, p.Ala340Val (NM_001425248.1); c.992C>T, p.Ala331Val (NM_001425249.1); c.995C>T, p.Ala332Val (NM_001425250.1, NM_032871.4); c.947C>T, p.Ala316Val (NM_001425251.1); c.737C>T, p.Ala246Val (NM_001425253.1); short protein forms A246V, A316V, A331V, A332V, A340V.
Identifiers: ClinVar variation 3024881 (VCV003024881.24), dbSNP rs12362779, ClinGen allele CA6178835.

ClinVar aggregate classification (germline): Likely benign. Review status: criteria provided, single submitter (1 of 4 stars). 2 submissions from 2 submitters: Likely benign (1). 1 of the submissions does not count toward it. Last evaluated 2026-08-01.

Conditions:
RELT-related disorder. Also called: RELT-related condition.

Allele frequency attached by ClinVar (database versions not stated): gnomAD 0.00118; TOPMed 0.00130; 1000 Genomes Project 30x 0.00156; gnomAD exomes 0.00169; 1000 Genomes Project 0.00180; ESP Exome Variant Server 0.00193; ExAC 0.00228.
gnomAD v4.1: 2,685 of 1,613,434 alleles (0.17%); highest among the groups gnomAD compares: Middle Eastern, 2.1%; 15 homozygotes.

Submissions (4):

CeGaT Center for Human Genetics Tuebingen
Classification: Likely benign. Last evaluated: 2026-08-01. Review status: criteria provided, single submitter. Criteria: CeGaT Center For Human Genetics Tuebingen Variant Classification Criteria Version 2. Collection method: clinical testing. Allele origin: germline. Affected: yes. Observed: 2 variant alleles.
Comment: RELT: BP4, BS2

PreventionGenetics, part of Exact Sciences
Classification: Benign for RELT-related condition. Last evaluated: 2019-12-06. Review status: no assertion criteria provided. Collection method: clinical testing. Allele origin: germline. Not counted in ClinVar's aggregate classification.
Comment: This variant is classified as benign based on ACMG/AMP sequence variant interpretation guidelines (Richards et al. 2015 PMID: 25741868, with internal and published modifications).

Dr. Peter K. Rogan Lab, Western University
No classification provided (evidence only). Condition: Familial cancer of breast. Review status: no classification provided. Collection method: in vitro. Allele origin: not applicable. Functional consequence: retained intron. Not counted in ClinVar's aggregate classification.

Dr. Peter K. Rogan Lab, Western University
No classification provided (evidence only). Condition: Ovarian serous cystadenocarcinoma. Review status: no classification provided. Collection method: in vitro. Allele origin: not applicable. Functional consequence: retained intron. Not counted in ClinVar's aggregate classification.